The following is an entry in ClinVar:

NM_002495.4(NDUFS4):c.131A>G (p.Gln44Arg)

Gene: NDUFS4 (NADH:ubiquinone oxidoreductase subunit S4; plus strand). Cytogenetic location: 5q11.2.
Variant type: single nucleotide variant.
Coding change: c.131A>G on transcript NM_002495.4 (MANE Select); coding-DNA position 131, A replaced by G.
Protein change: p.Gln44Arg; replaces glutamine 44 with arginine.
Molecular consequence: missense variant. On other transcripts: non-coding transcript variant (3).
Genome position (GRCh38, 1-based): chr5:53,603,484, A>G. VCF-style: chr5-53603484-A-G. GRCh37 (hg19) VCF-style: chr5-52899314-A-G.
Other names: c.131A>G, p.Gln44Arg (NM_001318051.2); short protein forms Q44R.
Identifiers: ClinVar variation 2200498 (VCV002200498.2), dbSNP rs374180161, ClinGen allele CA3264187.

ClinVar aggregate classification (germline): Uncertain significance. Review status: criteria provided, multiple submitters, no conflicts (2 of 4 stars). 2 submissions from 2 submitters: Uncertain significance (2). Last evaluated 2024-10-30.

Allele frequency attached by ClinVar (database versions not stated): ExAC 0.00002; gnomAD 0.00003; TOPMed 0.00003; gnomAD exomes 0.00005; ESP Exome Variant Server 0.00008.
gnomAD v4.1: 78 of 1,613,890 alleles (0.0048%); highest among the groups gnomAD compares: Non-Finnish European, 0.0064%; no homozygotes.

Submissions (2):

Blueprint Genetics
Classification: Uncertain significance. Last evaluated: 2024-10-30. Review status: criteria provided, single submitter. Criteria: ACMG Guidelines, 2015. Collection method: clinical testing. Allele origin: germline.

Labcorp Genetics (formerly Invitae), Labcorp
Classification: Uncertain significance. Last evaluated: 2022-04-12. Review status: criteria provided, single submitter. Criteria: Invitae Variant Classification Sherloc (09022015). Collection method: clinical testing. Allele origin: germline.
Comment: This sequence change replaces glutamine, which is neutral and polar, with arginine, which is basic and polar, at codon 44 of the NDUFS4 protein (p.Gln44Arg). This variant is present in population databases (rs374180161, gnomAD 0.005%). This variant has not been reported in the literature in individuals affected with NDUFS4-related conditions. Algorithms developed to predict the effect of missense changes on protein structure and function are either unavailable or do not agree on the potential impact of this missense change (SIFT: "Not Available"; PolyPhen-2: "Benign"; Align-GVGD: "Not Available"). In summary, the available evidence is currently insufficient to determine the role of this variant in disease. Therefore, it has been classified as a Variant of Uncertain Significance.